The following is an entry in ClinVar:

ClinVar aggregate classification (germline): Uncertain significance. Review status: criteria provided, multiple submitters, no conflicts (2 of 4 stars). 2 submissions from 2 submitters: Uncertain significance (2). Last evaluated 2024-11-21.

Conditions:
Inborn genetic diseases. Identifiers: MedGen C0950123, MeSH D030342.
Methylcobalamin deficiency type cblE (HMAE). Also called: HOMOCYSTINURIA-MEGALOBLASTIC ANEMIA, cblE TYPE; VITAMIN B12-RESPONSIVE HOMOCYSTINURIA, cblE TYPE; HOMOCYSTINURIA-MEGALOBLASTIC ANEMIA, cblE COMPLEMENTATION TYPE. Identifiers: Orphanet 2169, Orphanet 622, MedGen C1856057, MONDO:0009354, OMIM 236270.

Submissions (2):

Ambry Genetics
Classification: Uncertain significance for Inborn genetic diseases. Last evaluated: 2024-11-21. Review status: criteria provided, single submitter. Criteria: Ambry Variant Classification Scheme 2023. Collection method: clinical testing. Allele origin: germline.

Labcorp Genetics (formerly Invitae), Labcorp
Classification: Uncertain significance for Methylcobalamin deficiency type cblE. Last evaluated: 2022-10-17. Review status: criteria provided, single submitter. Criteria: Invitae Variant Classification Sherloc (09022015). Collection method: clinical testing. Allele origin: germline.
Comment: This variant has not been reported in the literature in individuals affected with MTRR-related conditions. This sequence change replaces arginine, which is basic and polar, with proline, which is neutral and non-polar, at codon 418 of the MTRR protein (p.Arg418Pro). This variant is present in population databases (no rsID available, gnomAD 0.003%). Advanced modeling of protein sequence and biophysical properties (such as structural, functional, and spatial information, amino acid conservation, physicochemical variation, residue mobility, and thermodynamic stability) performed at Invitae indicates that this missense variant is expected to disrupt MTRR protein function. In summary, the available evidence is currently insufficient to determine the role of this variant in disease. Therefore, it has been classified as a Variant of Uncertain Significance.

NM_002454.3(MTRR):c.1253G>C (p.Arg418Pro)

Gene: MTRR (5-methyltetrahydrofolate-homocysteine methyltransferase reductase; plus strand). Cytogenetic location: 5p15.31.
Variant type: single nucleotide variant.
Coding change: c.1253G>C on transcript NM_002454.3 (MANE Select); coding-DNA position 1253, G replaced by C.
Protein change: p.Arg418Pro; replaces arginine 418 with proline.
Molecular consequence: missense variant. On other transcripts: non-coding transcript variant (14).
Genome position (GRCh38, 1-based): chr5:7,889,201, G>C. VCF-style: chr5-7889201-G-C. GRCh37 (hg19) VCF-style: chr5-7889314-G-C.
Other names: c.1253G>C, p.Arg418Pro (NM_001364440.2, NM_001364441.2, NM_001364442.2 and 1 more transcripts); c.1253G>C (NM_002454.2); short protein forms R418P.
Identifiers: ClinVar variation 1927869 (VCV001927869.6), dbSNP rs749461781, ClinGen allele CA359158512.